The following is an entry in ClinVar:

NM_001123068.3(PPIAL4G):c.13G>A (p.Val5Ile)

Gene: PPIAL4G (peptidylprolyl isomerase A like 4G; minus strand). Cytogenetic location: 1q21.2.
Variant type: single nucleotide variant.
Coding change: c.13G>A on transcript NM_001123068.3 (MANE Select); coding-DNA position 13, G replaced by A.
Protein change: p.Val5Ile; replaces valine 5 with isoleucine.
Molecular consequence: missense variant.
Genome position (GRCh38, 1-based): chr1:148,483,240, C>T on the plus strand (G>A on the coding strand, the complement: PPIAL4G is on the minus strand). VCF-style: chr1-148483240-C-T. GRCh37 (hg19) VCF-style: chr1-147955332-C-T.
Other names: short protein forms V5I.
Identifiers: ClinVar variation 2639129 (VCV002639129.24), dbSNP rs782231038, ClinGen allele CA1066423.

ClinVar aggregate classification (germline): Likely benign (1 of 4 stars; one submission).

Allele frequency attached by ClinVar (database versions not stated): gnomAD 0.00001.
gnomAD v4.1: 9 of 1,613,570 alleles (0.00056%); highest among the groups gnomAD compares: East Asian, 0.0045%; no homozygotes.

Submission:

CeGaT Center for Human Genetics Tuebingen
Classification: Likely benign. Last evaluated: 2022-11-01. Review status: criteria provided, single submitter. Criteria: CeGaT Center For Human Genetics Tuebingen Variant Classification Criteria Version 2. Collection method: clinical testing. Allele origin: germline. Affected: yes. Observed: 1 variant allele.
Comment: PPIAL4A: BS2